The following is an entry in ClinVar:

ClinVar aggregate classification (germline): Uncertain significance (1 of 4 stars; one submission).

Conditions:
DiGeorge syndrome. Also called: Catch22; THIRD AND FOURTH PHARYNGEAL POUCH SYNDROME. Identifiers: Orphanet 567, MedGen C0012236, MONDO:0008564, OMIM 188400.

Allele frequency attached by ClinVar (database versions not stated): gnomAD exomes below 0.00001.

Submission:

Labcorp Genetics (formerly Invitae), Labcorp
Classification: Uncertain significance for DiGeorge syndrome. Last evaluated: 2022-09-09. Review status: criteria provided, single submitter. Criteria: Invitae Variant Classification Sherloc (09022015). Collection method: clinical testing. Allele origin: germline.
Comment: This sequence change replaces methionine, which is neutral and non-polar, with threonine, which is neutral and polar, at codon 153 of the TBX1 protein (p.Met153Thr). This variant is not present in population databases (gnomAD no frequency). This variant has not been reported in the literature in individuals affected with TBX1-related conditions. Advanced modeling of protein sequence and biophysical properties (such as structural, functional, and spatial information, amino acid conservation, physicochemical variation, residue mobility, and thermodynamic stability) performed at Invitae indicates that this missense variant is not expected to disrupt TBX1 protein function. In summary, the available evidence is currently insufficient to determine the role of this variant in disease. Therefore, it has been classified as a Variant of Uncertain Significance.

NM_001379200.1(TBX1):c.485T>C (p.Met162Thr)

Gene: TBX1 (T-box transcription factor 1; plus strand). Cytogenetic location: 22q11.21.
Variant type: single nucleotide variant.
Coding change: c.485T>C on transcript NM_001379200.1 (MANE Select); coding-DNA position 485, T replaced by C.
Protein change: p.Met162Thr; replaces methionine 162 with threonine.
Molecular consequence: missense variant.
Genome position (GRCh38, 1-based): chr22:19,763,288, T>C. VCF-style: chr22-19763288-T-C. GRCh37 (hg19) VCF-style: chr22-19750811-T-C.
Other names: c.458T>C, p.Met153Thr (NM_005992.1, NM_080646.2, NM_080647.1); short protein forms M153T, M162T.
Identifiers: ClinVar variation 2417214 (VCV002417214.6), dbSNP rs942478621, ClinGen allele CA322054718.